The following is an entry in ClinVar:

ClinVar aggregate classification (germline): Uncertain significance (1 of 4 stars; one submission).

Conditions:
Hereditary cancer-predisposing syndrome. Also called: Tumor predisposition; Hereditary neoplastic syndrome; Hereditary Cancer Syndrome; Neoplastic Syndromes, Hereditary. Identifiers: Orphanet 140162, MedGen C0027672, MeSH D009386, MONDO:0015356.

Submission:

Ambry Genetics
Classification: Uncertain significance for Hereditary cancer-predisposing syndrome. Last evaluated: 2025-05-20. Review status: criteria provided, single submitter. Criteria: Ambry Variant Classification Scheme 2023. Collection method: clinical testing. Allele origin: germline.
Comment: The p.L54P variant (also known as c.161T>C), located in coding exon 1 of the STK11 gene, results from a T to C substitution at nucleotide position 161. The leucine at codon 54 is replaced by proline, an amino acid with similar properties. This amino acid position is conserved. In addition, this alteration is predicted to be deleterious by in silico analysis. Based on the available evidence, the clinical significance of this variant remains unclear.

NM_000455.5(STK11):c.161T>C (p.Leu54Pro)

Gene: STK11 (serine/threonine kinase 11; plus strand). Cytogenetic location: 19p13.3.
Variant type: single nucleotide variant.
Coding change: c.161T>C on transcript NM_000455.5 (MANE Select); coding-DNA position 161, T replaced by C.
Protein change: p.Leu54Pro; replaces leucine 54 with proline.
Molecular consequence: missense variant. On other transcripts: non-coding transcript variant (1).
Genome position (GRCh38, 1-based): chr19:1,207,074, T>C. VCF-style: chr19-1207074-T-C. GRCh37 (hg19) VCF-style: chr19-1207073-T-C.
Other names: c.161T>C, p.Leu54Pro (NM_001407255.1); short protein forms L54P.
Identifiers: ClinVar variation 3963247 (VCV003963247.1).